The following is an entry in ClinVar:

ClinVar aggregate classification (germline): Pathogenic. Review status: reviewed by expert panel (3 of 4 stars). 34 submissions from 33 submitters: Pathogenic (1). 33 of the submissions do not count toward it. Last evaluated 2025-12-19.

Conditions:
PIK3CD-related disorder. Also called: PIK3CD-related condition.
Inherited Immunodeficiency Diseases. Identifiers: MedGen C5197805, MeSH D000081207.
Immunodeficiency 14 (IMD14A). Also called: IMMUNODEFICIENCY 14A WITH LYMPHOPROLIFERATION, AUTOSOMAL DOMINANT; ACTIVATED PI3K-DELTA SYNDROME 1; Activated PI3K Delta Syndrome Type 1 (APDS1); p110-DELTA-ACTIVATING MUTATION CAUSING SENESCENT T CELLS, LYMPHADENOPATHY, AND IMMUNODEFICIENCY. Identifiers: Orphanet 397596, Orphanet 693661, MedGen C5907821, MONDO:0014222, OMIM 615513.
Combined immunodeficiency with faciooculoskeletal anomalies. Also called: Roifman-Chitayat syndrome; Roifman-Chitayat syndrome, digenic; COMBINED IMMUNODEFICIENCY, FACIAL DYSMORPHISM, OPTIC NERVE ATROPHY, SKELETAL ANOMALIES, AND DEVELOPMENTAL DELAY. Identifiers: Orphanet 221139, MedGen C2750068, MONDO:0013226, OMIM 613328.
Immunodeficiency 14b, autosomal recessive. Identifiers: MedGen C5543301, MONDO:0023655, OMIM 619281.
Inborn genetic diseases. Identifiers: MedGen C0950123, MeSH D030342.

Allele frequency attached by ClinVar (database versions not stated): gnomAD exomes below 0.00001.
gnomAD v4.1: 1 of 1,613,974 alleles (0.000062%); highest among the groups gnomAD compares: Non-Finnish European, 0.000085%; no homozygotes.

Submissions 1 to 5 of 34:

ClinGen Primary Immune Regulatory Disorders Variant Curation Expert Panel, ClinGen
Classification: Pathogenic for Immunodeficiency 14. Last evaluated: 2025-12-19. Review status: reviewed by expert panel. Criteria: ClinGen AbDef ACMG Specifications PIK3CD V1.0.0. Collection method: curation. Allele origin: germline. Inheritance: Autosomal dominant inheritance.
Comment: NM_005026.5(PIK3CD):c.3061G>A (p.Glu1021Lys) is a missense variant causing substitution of glutamic acid with lysine at amino acid 1021. This variant is present in gnomAD v4.1.0 at a total combined allele frequency of 0.0000006196, with 1 allele / 1,613,974 total alleles across all populations of gnomAD, which is lower than the ClinGen Antibody Deficiencies VCEP PM2_Supporting threshold of <0.00000132 (PM2_Supporting). This variant has been reported in at least 7 apparently unrelated probands from a single study (PMID: 24136356) who have met the VCEP standard for phenotypic criteria (PS4; PMID: 24136356). Additional probands have been reported in other papers as well (PMID: 24165795). The variant co-segregated with the immunodeficiency 14 phenotype through at least 4 affected segregations total from 2 apparently unrelated families (PP1_Strong; 24136356). This variant has been identified an affected individual with a phenotype that includes increased circulating IgM level (1 pt), recurrent respiratory infections (4 pts), recurrent herpes (2 pts), reduced antibodies to Haemophilus Influenzae type B (1 pt), and lymphocytopenia (4 pts), high circulating transitional B cells (2 pts), and low circulating class switched memory B cells (1 pt), with genotyping by whole exome sequencing that excludes alternative causes in other loci (15 pts; PMID: 24136356). These features are highly specific for immunodeficiency 14. Additionally, patient lymphocytes showed over-activation of the PI3K pathway through increased levels of pAKT (PMID:24136356, PP4). This variant has already met PP1_Strong, so PP4_Moderate was downgraded to PP4. This variant has been identified as a de novo occurrence in 1 individual with immunodeficiency 14, with parental relationships confirmed through the use of genome-wide identity-by-descent analysis and a phenotype that was highly specific for immunodeficiency 14 (PS2; PMID: 24136356). Knock-in mice harboring this variant generated by either CRISPR/Cas9 (PMID: 32099075, PMID: 30018075, PMID: 30738173) or Lox-CRE recombination (PMID: 30194267) exhibited 1.25X to 2.5X-fold increases in phosphorylation of AKT (Ser473) and S6 (PMID: 32099075), increased serum IgM (PMID: 30194267), reduced B cells (PMID: 30194267), and increased T cells (PMID: 30738173), as well as defects in IgG secretion and isotype switching that are correctable with leniolisib (PMID: 30018075). Additional functional evidence linked the variant to enhanced association with the membrane and higher kinase activity (PMID: 24136356). In summary, this variant meets the criteria to be classified as pathogenic for autosomal dominant immunodeficiency 14 based on the ACMG/AMP criteria applied, as specified by the ClinGen Antibody Deficiencies VCEP: PM2_Supporting, PS4, PP1_Strong, PP4, PS2, and PS3. (VCEP specifications version 1.0.0).

CeGaT Center for Human Genetics Tuebingen
Classification: Pathogenic. Last evaluated: 2026-06-01. Review status: criteria provided, single submitter. Criteria: CeGaT Center For Human Genetics Tuebingen Variant Classification Criteria Version 2. Collection method: clinical testing. Allele origin: germline. Affected: yes. Observed: 3 variant alleles. Not counted in ClinVar's aggregate classification.
Comment: PIK3CD: PP1:Strong, PS2, PS4, PM2, PP4

Clinical Genomics Laboratory, Washington University in St. Louis
Classification: Pathogenic for Immunodeficiency 14. Last evaluated: 2026-02-16. Review status: criteria provided, single submitter. Criteria: ACMG Guidelines, 2015. Collection method: clinical testing. Allele origin: germline. Affected: yes. Not counted in ClinVar's aggregate classification.
Comment: The PIK3CD c.3061G>A (p.Glu1021Lys) variant has been reported in at least 10 apparently unrelated probands and segregates with disease in at least four affected individuals from two apparently unrelated families (Angulo I et al., PMID: 24136356; Lucas CL et al., PMID: 24165795). Additionally, this variant was detected as occurring de novo in one affected patient (Angulo I et al., PMID: 24136356). Patient lymphocytes showed over-activation of the PI3K pathway through increased levels of pAKT, which is highly specific for immunodeficiency 14 (Angulo I et al., PMID: 24136356). Knock-in mice harboring this variant display increased phosphorylation of AKT as well as other highly specific phenotypes of immunodeficiency 14A (Avery DT et al., PMID: 30018075; Bier J et al., PMID: 30738173; Wray-Dutra MN et al., PMID: 30194267; Jia Y et al., PMID: 32099075). This variant has been reported in the ClinVar database as a germline pathogenic variant by an expert panel. This variant is only observed on 1/1,613,974 alleles in the general population (gnomAD v4.1.1), indicating it is not a common variant. Based on available information and the ACMG/AMP guidelines for variant interpretation (Richards S et al., PMID: 25741868), this variant is classified as pathogenic.

Dasa
Classification: Pathogenic. Last evaluated: 2026-01-23. Review status: criteria provided, single submitter. Criteria: DASA Assertion Criteria. Collection method: clinical testing. Allele origin: germline. Not counted in ClinVar's aggregate classification.
Comment: NM_005026.5(PIK3CD):c.3061G>A (p.Glu1021Lys) is a missense variant that results in the substitution of glutamic acid with lysine. De novo occurrence has been reported in an individual with related phenotype. Segregation evidence has been reported in affected families. Functional evidence supports a deleterious effect on the gene or gene product (PMID: 24136356; PMID: 24165795; PMID: 26732860; PMID: 26437962; PMID: 16984281). This variant has been recurrently observed in individuals with related phenotype (PMID: 24136356; PMID: 24165795; PMID: 26732860; PMID: 26437962; PMID: 16984281). The variant is present at low frequency in population datasets. Based on the available data, this variant is classified as pathogenic.

Labcorp Genetics (formerly Invitae), Labcorp
Classification: Pathogenic for Activated PI3K-delta syndrome. Last evaluated: 2025-12-19. Review status: criteria provided, single submitter. Criteria: Invitae Variant Classification Sherloc (09022015). Collection method: clinical testing. Allele origin: germline. Not counted in ClinVar's aggregate classification.
Comment: This sequence change replaces glutamic acid, which is acidic and polar, with lysine, which is basic and polar, at codon 1021 of the PIK3CD protein (p.Glu1021Lys). This variant is not present in population databases (gnomAD no frequency). This missense change has been observed in individual(s) with activated phosphoinositide 3-Kinase δ syndrome (APDS) (PMID: 16984281, 24136356, 24165795, 24610295, 25352054, 26437962). In at least one individual the variant was observed to be de novo. It has also been observed to segregate with disease in related individuals. ClinVar contains an entry for this variant (Variation ID: 88675). Invitae Evidence Modeling of protein sequence and biophysical properties (such as structural, functional, and spatial information, amino acid conservation, physicochemical variation, residue mobility, and thermodynamic stability) indicates that this missense variant is not expected to disrupt PIK3CD protein function with a negative predictive value of 80%. Experimental studies have shown that this missense change affects PIK3CD function (PMID: 24136356, 24165795, 26732860). For these reasons, this variant has been classified as Pathogenic.

NM_005026.5(PIK3CD):c.3061G>A (p.Glu1021Lys)

Gene: PIK3CD (phosphatidylinositol-4,5-bisphosphate 3-kinase catalytic subunit delta; plus strand). Cytogenetic location: 1p36.22.
Variant type: single nucleotide variant.
Coding change: c.3061G>A on transcript NM_005026.5 (MANE Select); coding-DNA position 3061, G replaced by A.
Protein change: p.Glu1021Lys; replaces glutamic acid 1021 with lysine.
Molecular consequence: missense variant.
Genome position (GRCh38, 1-based): chr1:9,726,972, G>A. VCF-style: chr1-9726972-G-A. GRCh37 (hg19) VCF-style: chr1-9787030-G-A.
Other names: NM_005026.3(PIK3CD):c.3061G>A(p.Glu1021Lys); NM_005026.5(PIK3CD):c.3061G>A; c.3058G>A, p.Glu1020Lys (NM_001350234.2); c.2974G>A, p.Glu992Lys (NM_001350235.1); c.3061G>A (NM_005026.4); short protein forms E1021K, E992K, E1020K.
Identifiers: ClinVar variation 88675 (VCV000088675.79), dbSNP rs397518423, ClinGen allele CA145460.
Genomic context (GRCh38, chr1:9,726,972, plus strand): 5'-TCCCTGGCACTGGGGAAAACAGAGGAGGAGGCACTGAAGCACTTCCGAGTGAAGTTTAAC[G>A]AAGCCCTCCGTGAGAGCTGGAAAACCAAAGTGAACTGGCTGGCCCACAACGTGTCCAAAG-3'
Protein context (NP_005017.3, residues 1011-1031): ALKHFRVKFN[Glu1021Lys]ALRESWKTKV